The following is an entry in ClinVar:

NM_003900.5(SQSTM1):c.970del

Gene: SQSTM1 (sequestosome 1; plus strand). Cytogenetic location: 5q35.3.
Variant type: Deletion.
Coding change: c.970del on transcript NM_003900.5 (MANE Select); coding-DNA position 970, one base deleted (G; older notation c.970delG).
Molecular consequence: splice acceptor variant.
Genome position (GRCh38, 1-based): chr5:179,833,587, G deleted; the last of 2 consecutive G bases (chr5:179,833,586-179,833,587); deleting either gives the same sequence. VCF-style (leftmost placement, unchanged base first): chr5-179833585-AG-A. GRCh37 (hg19) VCF-style: chr5-179260585-AG-A.
Other names: c.970delG (NM_003900.4).
Identifiers: ClinVar variation 542159 (VCV000542159.13), dbSNP rs758377403, ClinGen allele CA3600771.

ClinVar aggregate classification (germline): Uncertain significance. Review status: criteria provided, multiple submitters, no conflicts (2 of 4 stars). 3 submissions from 3 submitters: Uncertain significance (3). Last evaluated 2025-03-11.

Conditions:
Myopathy, distal, with rimmed vacuoles (DMRV). Also called: MULTISYSTEM PROTEINOPATHY 4. Identifiers: MedGen C5399975, MONDO:0014945, OMIM 617158.
Frontotemporal dementia and/or amyotrophic lateral sclerosis 1 (FTDALS1). Also called: Frontotemporal dementia with motor neuron disease 1; C9orf72 Frontotemporal Dementia and/or Amyotrophic Lateral Sclerosis. Identifiers: Orphanet 275872, MedGen C5779877, MONDO:0007105, OMIM 105550.
Paget disease of bone 2, early-onset (PDB2). Also called: Paget disease of bone 2. Identifiers: MedGen C4085251, MONDO:0011183, OMIM 602080.

Submissions (3):

Labcorp Genetics (formerly Invitae), Labcorp
Classification: Uncertain significance for Paget disease of bone 2, early-onset; Frontotemporal dementia and/or amyotrophic lateral sclerosis 1. Last evaluated: 2025-03-11. Review status: criteria provided, single submitter. Criteria: Invitae Variant Classification Sherloc (09022015). Collection method: clinical testing. Allele origin: germline.
Comment: This sequence change creates a premature translational stop signal (p.Glu324Asnfs*54) in the SQSTM1 gene. While this is not anticipated to result in nonsense mediated decay, it is expected to disrupt the last 117 amino acid(s) of the SQSTM1 protein. This variant is present in population databases (rs758377403, gnomAD 0.01%). This variant has not been reported in the literature in individuals affected with SQSTM1-related conditions. ClinVar contains an entry for this variant (Variation ID: 542159). Algorithms developed to predict the effect of sequence changes on RNA splicing suggest that this variant may disrupt the consensus splice site. In summary, the available evidence is currently insufficient to determine the role of this variant in disease. Therefore, it has been classified as a Variant of Uncertain Significance.

GeneDx
Classification: Uncertain significance. Last evaluated: 2020-08-28. Review status: criteria provided, single submitter. Criteria: GeneDx Variant Classification Process June 2021. Collection method: clinical testing. Allele origin: germline. Affected: yes.

Neuberg Centre For Genomic Medicine, NCGM
Classification: Uncertain significance for Myopathy, distal, with rimmed vacuoles. Review status: criteria provided, single submitter. Criteria: ACMG Guidelines, 2015. Collection method: clinical testing. Allele origin: germline. Inheritance: Autosomal dominant inheritance. Affected: yes.
Comment: The splice acceptor c.970del variant has not been reported previously as a pathogenic variant nor as a benign variant, to our knowledge. The c.970del variant is novel (not in any individuals) in 1000 Genomes and has allele frequency of 0.002% in gnomAD database. This variant has been reported to the ClinVar database as Uncertain Significance. Loss of function variants have been previously reported to be disease causing. For these reasons, this variant has been classified as Uncertain Significance.